The following is an entry in ClinVar:

NM_053025.4(MYLK):c.5132C>T (p.Thr1711Met)

Genes: MYLK-AS1 (MYLK antisense RNA 1; plus strand), MYLK (myosin light chain kinase; minus strand). Cytogenetic location: 3q21.1.
Variant type: single nucleotide variant.
Coding change: c.5132C>T on transcript NM_053025.4 (MANE Select); coding-DNA position 5132, C replaced by T.
Protein change: p.Thr1711Met; replaces threonine 1711 with methionine.
Molecular consequence: missense variant.
Genome position (GRCh38, 1-based): chr3:123,626,924, G>A on the plus strand (C>T on the coding strand, the complement: MYLK is on the minus strand). VCF-style: chr3-123626924-G-A. GRCh37 (hg19) VCF-style: chr3-123345771-G-A.
Other names: c.4604C>T, p.Thr1535Met (NM_001321309.2); c.4925C>T, p.Thr1642Met (NM_053026.4); c.4979C>T, p.Thr1660Met (NM_053027.4); c.4772C>T, p.Thr1591Met (NM_053028.4); short protein forms T1711M, T1535M, T1660M, T1591M, T1642M.
Identifiers: ClinVar variation 471734 (VCV000471734.34), dbSNP rs374662467, ClinGen allele CA072576.

ClinVar aggregate classification (germline): Conflicting classifications of pathogenicity. Review status: criteria provided, conflicting classifications (1 of 4 stars). 4 submissions from 4 submitters: Uncertain significance (3); Likely benign (1). Last evaluated 2024-11-19.

Conditions:
Familial thoracic aortic aneurysm and aortic dissection (TAAD). Also called: Thoracic aortic aneurysms and dissections. Identifiers: Orphanet 91387, MedGen C4707243, MONDO:0019625.
Aortic aneurysm, familial thoracic 7 (AAT7). Also called: AORTIC DISSECTION, FAMILIAL, WITH OR WITHOUT AORTIC ANEURYSM. Identifiers: MedGen C3151077, MONDO:0013418, OMIM 613780.

Allele frequency attached by ClinVar (database versions not stated): TOPMed 0.00002; gnomAD 0.00003; 1000 Genomes Project 30x 0.00016; 1000 Genomes Project 0.00020.
gnomAD v4.1: 34 of 1,614,164 alleles (0.0021%); highest among the groups gnomAD compares: East Asian, 0.018%; no homozygotes.

Submissions (4):

Labcorp Genetics (formerly Invitae), Labcorp
Classification: Uncertain significance for Aortic aneurysm, familial thoracic 7. Last evaluated: 2024-11-19. Review status: criteria provided, single submitter. Criteria: Invitae Variant Classification Sherloc (09022015). Collection method: clinical testing. Allele origin: germline.
Comment: This sequence change replaces threonine, which is neutral and polar, with methionine, which is neutral and non-polar, at codon 1711 of the MYLK protein (p.Thr1711Met). This variant is present in population databases (rs374662467, gnomAD 0.008%). This variant has not been reported in the literature in individuals affected with MYLK-related conditions. ClinVar contains an entry for this variant (Variation ID: 471734). Invitae Evidence Modeling of protein sequence and biophysical properties (such as structural, functional, and spatial information, amino acid conservation, physicochemical variation, residue mobility, and thermodynamic stability) indicates that this missense variant is not expected to disrupt MYLK protein function with a negative predictive value of 80%. In summary, the available evidence is currently insufficient to determine the role of this variant in disease. Therefore, it has been classified as a Variant of Uncertain Significance.

CeGaT Center for Human Genetics Tuebingen
Classification: Likely benign. Last evaluated: 2023-11-01. Review status: criteria provided, single submitter. Criteria: CeGaT Center For Human Genetics Tuebingen Variant Classification Criteria Version 2. Collection method: clinical testing. Allele origin: germline. Affected: yes. Observed: 1 variant allele.
Comment: MYLK: BP4

Ambry Genetics
Classification: Uncertain significance for Familial thoracic aortic aneurysm and aortic dissection. Last evaluated: 2021-12-18. Review status: criteria provided, single submitter. Criteria: Ambry Variant Classification Scheme 2023. Collection method: clinical testing. Allele origin: germline.
Comment: The p.T1711M variant (also known as c.5132C>T), located in coding exon 28 of the MYLK gene, results from a C to T substitution at nucleotide position 5132. The threonine at codon 1711 is replaced by methionine, an amino acid with similar properties. This amino acid position is conserved. In addition, the in silico prediction for this alteration is inconclusive. Since supporting evidence is limited at this time, the clinical significance of this alteration remains unclear.

GeneDx
Classification: Uncertain significance. Last evaluated: 2021-01-27. Review status: criteria provided, single submitter. Criteria: GeneDx Variant Classification Process June 2021. Collection method: clinical testing. Allele origin: germline. Affected: yes.
Comment: In silico analysis supports that this missense variant has a deleterious effect on protein structure/function; Has not been previously published as pathogenic or benign to our knowledge